The following is an entry in ClinVar:

ClinVar aggregate classification (germline): Conflicting classifications of pathogenicity. Review status: criteria provided, conflicting classifications (1 of 4 stars). 12 submissions from 12 submitters: Uncertain significance (4); Benign (1); Likely benign (3). 4 of the submissions do not count toward it. Last evaluated 2025-03-28.

Conditions:
TTN-related disorder. Also called: TTN-related condition; TTN-related disease; TTN-related disorders.
Dilated cardiomyopathy 1G (CMD1G). Identifiers: Orphanet 154, MedGen C1858763, MONDO:0011400, OMIM 604145.
Autosomal recessive limb-girdle muscular dystrophy type 2J (LGMDR10). Also called: Limb-girdle muscular dystrophy, type 2J; MUSCULAR DYSTROPHY, LIMB-GIRDLE, AUTOSOMAL RECESSIVE 10. Identifiers: Orphanet 140922, MedGen C1837342, MONDO:0012127, OMIM 608807.

Submissions (12):

Women's Health and Genetics/Laboratory Corporation of America, LabCorp
Classification: Uncertain significance. Last evaluated: 2025-03-28. Review status: criteria provided, single submitter. Criteria: LabCorp Variant Classification Summary - May 2015. Collection method: clinical testing. Allele origin: germline.
Comment: Variant summary: TTN c.28030+5_28030+7delGCC alters nucleotides located close to a canonical splice site and therefore could affect mRNA splicing, leading to a significantly altered protein sequence. Consensus agreement among computation tools predict no significant impact on normal splicing. However, these predictions have yet to be confirmed by functional studies. The variant allele was found at a frequency of 0.00019 in 1602470 control chromosomes in the gnomAD database (v4.1 dataset). This frequency is not significantly higher than estimated for a pathogenic variant in TTN causing Dilated Cardiomyopathy (0.00039), allowing no conclusion about variant significance. c.28030+5_28030+7delGCC has been reported in the literature in an individual affected with Hypertrophic Cardiomyopathy (Burstein_2021). These report(s) do not provide unequivocal conclusions about association of the variant with Dilated Cardiomyopathy. To our knowledge, no experimental evidence demonstrating an impact on protein function has been reported. The following publication have been ascertained in the context of this evaluation (PMID: 32746448). ClinVar contains an entry for this variant (Variation ID: 46854). Based on the evidence outlined above, the variant was classified as VUS-possibly benign.

Blueprint Genetics
Classification: Likely benign. Last evaluated: 2024-11-22. Review status: criteria provided, single submitter. Criteria: ACMG Guidelines, 2015. Collection method: clinical testing. Allele origin: germline.

CeGaT Center for Human Genetics Tuebingen
Classification: Likely benign. Last evaluated: 2022-08-01. Review status: criteria provided, single submitter. Criteria: CeGaT Center For Human Genetics Tuebingen Variant Classification Criteria Version 2. Collection method: clinical testing. Allele origin: germline. Affected: yes. Observed: 1 variant allele.
Comment: TTN: BP4

Laboratory for Molecular Medicine, Mass General Brigham Personalized Medicine
Classification: Likely benign. Last evaluated: 2018-08-16. Review status: criteria provided, single submitter. Criteria: LMM Criteria. Collection method: clinical testing. Allele origin: germline. Observed: 1 variant allele.
Comment: c.28030+5_28030+7delGCC in intron 118 of TTN: This variant is not expected to ha ve clinical significance because it has been identified in 0.04% (10/25696) of F innish chromosomes by the Genome Aggregation Database (gnomAD; dbSNP rs397517538). In addition, this variant is located in the 5' splice region and computational tools do not suggest an impact to splicing. ACMG/AMP Criteria applied: BS1; BP4.

Labcorp Genetics (formerly Invitae), Labcorp
Classification: Uncertain significance for Dilated cardiomyopathy 1G; Autosomal recessive limb-girdle muscular dystrophy type 2J. Last evaluated: 2018-01-05. Review status: criteria provided, single submitter. Criteria: Invitae Variant Classification Sherloc (09022015). Collection method: clinical testing. Allele origin: germline.

Eurofins Ntd Llc (ga)
Classification: Uncertain significance. Last evaluated: 2017-11-14. Review status: criteria provided, single submitter. Criteria: EGL Classification Definitions 2015. Collection method: clinical testing. Allele origin: germline. Observed: 2 variant alleles, 1 heterozygote.

Athena Diagnostics
Classification: Uncertain significance. Last evaluated: 2017-10-09. Review status: criteria provided, single submitter. Criteria: Athena Diagnostics Criteria. Collection method: clinical testing. Allele origin: germline.

GeneDx
Classification: Benign. Last evaluated: 2015-10-20. Review status: criteria provided, single submitter. Criteria: GeneDx Variant Classification (06012015). Collection method: clinical testing. Allele origin: germline. Affected: yes.
Comment: This variant is considered likely benign or benign based on one or more of the following criteria: it is a conservative change, it occurs at a poorly conserved position in the protein, it is predicted to be benign by multiple in silico algorithms, and/or has population frequency not consistent with disease.

PreventionGenetics, part of Exact Sciences
Classification: Likely benign for TTN-related condition. Last evaluated: 2024-04-28. Review status: no assertion criteria provided. Collection method: clinical testing. Allele origin: germline. Not counted in ClinVar's aggregate classification.
Comment: This variant is classified as likely benign based on ACMG/AMP sequence variant interpretation guidelines (Richards et al. 2015 PMID: 25741868, with internal and published modifications).

Clinical Genetics, Academic Medical Center
Classification: Likely benign. Review status: no assertion criteria provided. Collection method: clinical testing. Allele origin: germline. Affected: yes. Study: VKGL Data-share Consensus. Not counted in ClinVar's aggregate classification.

Diagnostic Laboratory, Department of Genetics, University Medical Center Groningen
Classification: Likely benign. Review status: no assertion criteria provided. Collection method: clinical testing. Allele origin: germline. Affected: yes. Study: VKGL Data-share Consensus. Not counted in ClinVar's aggregate classification.

Joint Genome Diagnostic Labs from Nijmegen and Maastricht, Radboudumc and MUMC+
Classification: Likely benign. Review status: no assertion criteria provided. Collection method: clinical testing. Allele origin: germline. Affected: yes. Study: VKGL Data-share Consensus. Not counted in ClinVar's aggregate classification.

Literature cited by the submitters: PubMed 32746448 (cited by Women's Health and Genetics/Laboratory Corporation of America, LabCorp).

NM_001267550.2(TTN):c.31762+5_31762+7del

Gene: TTN (titin; minus strand). Cytogenetic location: 2q31.2.
Variant type: Deletion.
Coding change: c.31762+5_31762+7del on transcript NM_001267550.2 (MANE Select); bases 5 to 7 of the intron after coding-DNA position 31762, 3 bases deleted (GCC; older notation c.31762+5_31762+7delGCC).
Molecular consequence: intron variant.
Genome position (GRCh38, 1-based): chr2:178,692,009-178,692,011, GGC deleted on the plus strand (GCC on the coding strand, the reverse complement: TTN is on the minus strand); deleting any 3 consecutive bases within chr2:178,692,009-178,692,012 gives the same sequence; the c. name uses the placement nearest the transcript's 3' end. VCF-style (leftmost placement, unchanged base first): chr2-178692008-TGGC-T. GRCh37 (hg19) VCF-style: chr2-179556735-TGGC-T.
Other names: c.28030+5_28030+7delGCC (NM_133378.4); c.31762+5_31762+7del (LRG_391t1); c.13282+46071_13282+46073del (NM_003319.4); c.13858+46071_13858+46073del (NM_133437.4); c.13657+46071_13657+46073del (NM_133432.3); c.28030+5_28030+7del (NM_133378.4); c.30811+5_30811+7del (NM_001256850.1); c.31762+5_31762+7delGCC (NM_001267550.2); and 1 more.
Identifiers: ClinVar variation 46854 (VCV000046854.56), dbSNP rs397517538, ClinGen allele CA139365.
Genomic context (GRCh38, chr2:178,692,008, plus strand): 5'-GAAGATCGTAGAAAGCAAAAGGCTGGCACTTGGAGCAAAGAGTCTCCCCATCATTGGCTC[TGGC>T]GTACCTTTTGGGGGAGCAGCAGGTTCCTTCTTAGGCACAGGAACTGGCTTTTTCTCCTCT-3'